The following is an entry in ClinVar:

NM_001252024.2(TRPM1):c.550C>T (p.Arg184Trp)

Gene: TRPM1 (transient receptor potential cation channel subfamily M member 1; minus strand). Cytogenetic location: 15q13.3.
Variant type: single nucleotide variant.
Coding change: c.550C>T on transcript NM_001252024.2 (MANE Select); coding-DNA position 550, C replaced by T.
Protein change: p.Arg184Trp; replaces arginine 184 with tryptophan.
Molecular consequence: missense variant.
Genome position (GRCh38, 1-based): chr15:31,067,131, G>A on the plus strand (C>T on the coding strand, the complement: TRPM1 is on the minus strand). VCF-style: chr15-31067131-G-A. GRCh37 (hg19) VCF-style: chr15-31359334-G-A.
Other names: c.601C>T, p.Arg201Trp (NM_001252020.2); c.484C>T, p.Arg162Trp (NM_002420.6); short protein forms R184W, R201W, R162W.
Identifiers: ClinVar variation 1426987 (VCV001426987.8), dbSNP rs780515306, ClinGen allele CA7452914.
Genomic context (GRCh38, chr15:31,067,131, plus strand): 5'-CAACCAGGTCTTCCTTATTCTCCACGATGCCCCATGGAGCAATTCCTATAGCACAAACCC[G>A]GCCTCTGGACTTGGAGGAGTGGTCTTTCAAGGCATCCCCTACGTGGCTGATAACACCTGT-3'
Protein context (NP_001238953.1, residues 174-194): LKDHSSKSRG[Arg184Trp]VCAIGIAPWG

ClinVar aggregate classification (germline): Uncertain significance (1 of 4 stars; one submission).

Allele frequency attached by ClinVar (database versions not stated): gnomAD 0.00001; gnomAD exomes 0.00001 and 0.00003; TOPMed 0.00001; ExAC 0.00002.
gnomAD v4.1: 15 of 1,613,904 alleles (0.00093%); highest among the groups gnomAD compares: Admixed American, 0.0083%; no homozygotes.

Submission:

Labcorp Genetics (formerly Invitae), Labcorp
Classification: Uncertain significance. Last evaluated: 2023-08-04. Review status: criteria provided, single submitter. Criteria: Invitae Variant Classification Sherloc (09022015). Collection method: clinical testing. Allele origin: germline.
Comment: Advanced modeling of protein sequence and biophysical properties (such as structural, functional, and spatial information, amino acid conservation, physicochemical variation, residue mobility, and thermodynamic stability) has been performed at Invitae for this missense variant, however the output from this modeling did not meet the statistical confidence thresholds required to predict the impact of this variant on TRPM1 protein function. Algorithms developed to predict the effect of sequence changes on RNA splicing suggest that this variant may disrupt the consensus splice site. In summary, the available evidence is currently insufficient to determine the role of this variant in disease. Therefore, it has been classified as a Variant of Uncertain Significance. ClinVar contains an entry for this variant (Variation ID: 1426987). This sequence change replaces arginine, which is basic and polar, with tryptophan, which is neutral and slightly polar, at codon 162 of the TRPM1 protein (p.Arg162Trp). This variant is present in population databases (rs780515306, gnomAD 0.01%). This variant has not been reported in the literature in individuals affected with TRPM1-related conditions.